The following is an entry in ClinVar:

ClinVar aggregate classification (germline): Pathogenic (1 of 4 stars; one submission).

Submission:

Labcorp Genetics (formerly Invitae), Labcorp
Classification: Pathogenic. Last evaluated: 2020-10-13. Review status: criteria provided, single submitter. Criteria: Invitae Variant Classification Sherloc (09022015). Collection method: clinical testing. Allele origin: germline.
Comment: For these reasons, this variant has been classified as Pathogenic. Loss-of-function variants in USH1C are known to be pathogenic (PMID: 10973247, 17407589, 20301442, 21203349). This variant has not been reported in the literature in individuals with USH1C-related conditions. This variant is not present in population databases (ExAC no frequency). This sequence change creates a premature translational stop signal (p.Trp378Glyfs*10) in the USH1C gene. It is expected to result in an absent or disrupted protein product.

Literature cited by the submitters: PubMed 10973247; PubMed 17407589; PubMed 20301442; PubMed 21203349.

NM_153676.4(USH1C):c.1132_1133del (p.Trp378fs)

Gene: USH1C (USH1 protein network component harmonin; minus strand). Cytogenetic location: 11p15.1.
Variant type: Deletion.
Coding change: c.1132_1133del on transcript NM_153676.4 (MANE Select); coding-DNA positions 1132 to 1133, 2 bases deleted (TG; older notation c.1132_1133delTG).
Protein change: p.Trp378fs; shifts the reading frame from tryptophan 378.
Molecular consequence: frameshift variant. On other transcripts: non-coding transcript variant (1).
Genome position (GRCh38, 1-based): chr11:17,520,947-17,520,948, CA deleted on the plus strand (TG on the coding strand, the reverse complement: USH1C is on the minus strand). VCF-style (leftmost placement, unchanged base first): chr11-17520946-CCA-C. GRCh37 (hg19) VCF-style: chr11-17542493-CCA-C.
Other names: c.1075_1076del, p.Trp359fs (NM_001297764.2); c.1132_1133del, p.Trp378fs (NM_005709.4); short protein forms W378fs, W359fs.
Identifiers: ClinVar variation 947866 (VCV000947866.7), dbSNP rs1850384410, ClinGen allele CA1139661853.